The following is an entry in ClinVar:

ClinVar aggregate classification (germline): Likely benign (1 of 4 stars; one submission).

gnomAD v4.1: 6 of 1,613,924 alleles (0.00037%); highest among the groups gnomAD compares: Admixed American, 0.01%; no homozygotes.

Submission:

CeGaT Center for Human Genetics Tuebingen
Classification: Likely benign. Last evaluated: 2025-10-01. Review status: criteria provided, single submitter. Criteria: CeGaT Center For Human Genetics Tuebingen Variant Classification Criteria Version 2. Collection method: clinical testing. Allele origin: germline. Affected: yes. Observed: 1 variant allele.
Comment: CUX2: BP4, BP7

NM_015267.4(CUX2):c.3330C>T (p.Leu1110=)

Gene: CUX2 (cut like homeobox 2; plus strand). Cytogenetic location: 12q24.12.
Variant type: single nucleotide variant.
Coding change: c.3330C>T on transcript NM_015267.4 (MANE Select); coding-DNA position 3330, C replaced by T.
Protein change: p.Leu1110=; no amino-acid change (leucine 1110 retained).
Molecular consequence: synonymous variant.
Genome position (GRCh38, 1-based): chr12:111,338,419, C>T. VCF-style: chr12-111338419-C-T. GRCh37 (hg19) VCF-style: chr12-111776223-C-T.
Other names: c.3144C>T, p.Leu1048= (NM_001370598.1).
Identifiers: ClinVar variation 4534917 (VCV004534917.6).